The following is an entry in ClinVar:

ClinVar aggregate classification (germline): Uncertain significance (1 of 4 stars; one submission).

Allele frequency attached by ClinVar (database versions not stated): gnomAD exomes 0.00001.
gnomAD v4.1: 7 of 1,569,186 alleles (0.00045%); highest among the groups gnomAD compares: Non-Finnish European, 0.00061%; no homozygotes.

Submission:

GeneDx
Classification: Uncertain significance. Last evaluated: 2021-09-02. Review status: criteria provided, single submitter. Criteria: GeneDx Variant Classification Process June 2021. Collection method: clinical testing. Allele origin: germline. Affected: yes.
Comment: In silico analysis supports that this missense variant has a deleterious effect on protein structure/function; Has not been previously published as pathogenic or benign to our knowledge

NM_033109.5(PNPT1):c.395G>A (p.Arg132Gln)

Gene: PNPT1 (polyribonucleotide nucleotidyltransferase 1; minus strand). Cytogenetic location: 2p16.1.
Variant type: single nucleotide variant.
Coding change: c.395G>A on transcript NM_033109.5 (MANE Select); coding-DNA position 395, G replaced by A.
Protein change: p.Arg132Gln; replaces arginine 132 with glutamine.
Molecular consequence: missense variant.
Genome position (GRCh38, 1-based): chr2:55,684,951, C>T on the plus strand (G>A on the coding strand, the complement: PNPT1 is on the minus strand). VCF-style: chr2-55684951-C-T. GRCh37 (hg19) VCF-style: chr2-55912086-C-T.
Other names: short protein forms R132Q.
Identifiers: ClinVar variation 1343056 (VCV001343056.2), dbSNP rs1320187955, ClinGen allele CA346940482.